The following is an entry in ClinVar:

NM_024685.4(BBS10):c.206T>A (p.Val69Glu)

Gene: BBS10 (Bardet-Biedl syndrome 10; minus strand). Cytogenetic location: 12q21.2.
Variant type: single nucleotide variant.
Coding change: c.206T>A on transcript NM_024685.4 (MANE Select); coding-DNA position 206, T replaced by A.
Protein change: p.Val69Glu; replaces valine 69 with glutamic acid.
Molecular consequence: missense variant.
Genome position (GRCh38, 1-based): chr12:76,347,779, A>T on the plus strand (T>A on the coding strand, the complement: BBS10 is on the minus strand). VCF-style: chr12-76347779-A-T. GRCh37 (hg19) VCF-style: chr12-76741559-A-T.
Other names: short protein forms V69E.
Identifiers: ClinVar variation 866292 (VCV000866292.4), dbSNP rs1176176320, ClinGen allele CA385816014.
Genomic context (GRCh38, chr12:76,347,779, plus strand): 5'-AAGATAATAAATGTTTTTGCACCATCTCCTGTTTTTTTGAGATGACTGGAAACACAGTCC[A>T]CTATCATCCTGTACAAAAAAGAAATAAAGCAACTCATTTTCAGAAGGCTGGCTTCCCACA-3'
Protein context (NP_078961.3, residues 59-79): HLEHPIARMI[Val69Glu]DCVSSHLKKT

ClinVar aggregate classification (germline): Conflicting classifications of pathogenicity. Review status: criteria provided, conflicting classifications (1 of 4 stars). 2 submissions from 2 submitters: Likely pathogenic (1); Uncertain significance (1). Last evaluated 2022-06-24.

Conditions:
Bardet-Biedl syndrome (BBS). Identifiers: Orphanet 110, MedGen C0752166, MONDO:0015229.
BBS10-related disorder. Also called: BBS10-related condition.

Allele frequency attached by ClinVar (database versions not stated): gnomAD 0.00001; TOPMed 0.00001.
gnomAD v4.1: 2 of 1,601,124 alleles (0.00012%); highest among the groups gnomAD compares: Non-Finnish European, 0.00017%; no homozygotes.

Submissions (2):

Labcorp Genetics (formerly Invitae), Labcorp
Classification: Uncertain significance for Bardet-Biedl syndrome. Last evaluated: 2022-06-24. Review status: criteria provided, single submitter. Criteria: Invitae Variant Classification Sherloc (09022015). Collection method: clinical testing. Allele origin: germline.
Comment: This sequence change replaces valine, which is neutral and non-polar, with glutamic acid, which is acidic and polar, at codon 69 of the BBS10 protein (p.Val69Glu). This variant is not present in population databases (gnomAD no frequency). This missense change has been observed in individual(s) with Bardet-Biedl syndrome (Invitae). In at least one individual the data is consistent with being in trans (on the opposite chromosome) from a pathogenic variant. ClinVar contains an entry for this variant (Variation ID: 866292). Algorithms developed to predict the effect of missense changes on protein structure and function are either unavailable or do not agree on the potential impact of this missense change (SIFT: "Deleterious"; PolyPhen-2: "Probably Damaging"; Align-GVGD: "Class C0"). In summary, the available evidence is currently insufficient to determine the role of this variant in disease. Therefore, it has been classified as a Variant of Uncertain Significance.

Blueprint Genetics
Classification: Likely pathogenic for BBS10-related disorders. Last evaluated: 2019-02-05. Review status: criteria provided, single submitter. Criteria: ACMG Guidelines, 2015. Collection method: clinical testing. Allele origin: germline. Affected: yes. Observed: 2 variant alleles.